The following is an entry in ClinVar:

NM_001386795.1(DTNA):c.938G>A (p.Arg313His)

Gene: DTNA (dystrobrevin alpha; plus strand). Cytogenetic location: 18q12.1.
Variant type: single nucleotide variant.
Coding change: c.938G>A on transcript NM_001386795.1 (MANE Select); coding-DNA position 938, G replaced by A.
Protein change: p.Arg313His; replaces arginine 313 with histidine.
Molecular consequence: missense variant. On other transcripts: 5 prime UTR variant (4), intron variant (1).
Genome position (GRCh38, 1-based): chr18:34,820,852, G>A. VCF-style: chr18-34820852-G-A. GRCh37 (hg19) VCF-style: chr18-32400816-G-A.
Other names: c.938G>A, p.Arg313His (NM_001128175.2, NM_001198938.2, NM_001198939.2 and 34 more transcripts); c.-17G>A (NM_001198942.1, NM_001198944.1, NM_032980.4 and 1 more transcripts); c.188G>A, p.Arg63His (NM_001198943.1); c.603+8739G>A (NM_001198945.2); short protein forms R313H, R63H.
Identifiers: ClinVar variation 1017955 (VCV001017955.8), dbSNP rs780636786, ClinGen allele CA8935497.

ClinVar aggregate classification (germline): Uncertain significance (1 of 4 stars; one submission).

Conditions:
Left ventricular noncompaction 1 (LVNC1). Also called: LEFT VENTRICULAR NONCOMPACTION 1 WITH OR WITHOUT CONGENITAL HEART DEFECTS. Identifiers: Orphanet 54260, MedGen C1858725, MONDO:0011403, OMIM 604169.

Allele frequency attached by ClinVar (database versions not stated): ExAC 0.00001; gnomAD exomes 0.00001; TOPMed 0.00003; gnomAD 0.00004.
gnomAD v4.1: 26 of 1,613,932 alleles (0.0016%); highest among the groups gnomAD compares: African/African-American, 0.008%; no homozygotes.

Submission:

Labcorp Genetics (formerly Invitae), Labcorp
Classification: Uncertain significance for Left ventricular noncompaction 1. Last evaluated: 2026-01-16. Review status: criteria provided, single submitter. Criteria: Invitae Variant Classification Sherloc (09022015). Collection method: clinical testing. Allele origin: germline.
Comment: This sequence change replaces arginine, which is basic and polar, with histidine, which is basic and polar, at codon 313 of the DTNA protein (p.Arg313His). This variant is present in population databases (rs780636786, gnomAD 0.008%). This variant has not been reported in the literature in individuals affected with DTNA-related conditions. ClinVar contains an entry for this variant (Variation ID: 1017955). Invitae Evidence Modeling of protein sequence and biophysical properties (such as structural, functional, and spatial information, amino acid conservation, physicochemical variation, residue mobility, and thermodynamic stability) indicates that this missense variant is not expected to disrupt DTNA protein function with a negative predictive value of 80%. In summary, the available evidence is currently insufficient to determine the role of this variant in disease. Therefore, it has been classified as a Variant of Uncertain Significance.